The following is an entry in ClinVar:

ClinVar aggregate classification (germline): Likely benign (0 of 4 stars; one submission).

Conditions:
NRP2-related disorder. Also called: NRP2-related condition.

Allele frequency attached by ClinVar (database versions not stated): ExAC 0.00001; TOPMed 0.00003; gnomAD 0.00005; ESP Exome Variant Server 0.00015.
gnomAD v4.1: 34 of 1,614,074 alleles (0.0021%); highest among the groups gnomAD compares: African/African-American, 0.015%; no homozygotes.

Submission:

PreventionGenetics, part of Exact Sciences
Classification: Likely benign for NRP2-related condition. Last evaluated: 2021-08-11. Review status: no assertion criteria provided. Collection method: clinical testing. Allele origin: germline.
Comment: This variant is classified as likely benign based on ACMG/AMP sequence variant interpretation guidelines (Richards et al. 2015 PMID: 25741868, with internal and published modifications).

NM_003872.3(NRP2):c.1944C>T (p.Phe648=)

Genes: NRP2 (neuropilin 2; plus strand), LOC126806481 (CDK7 strongly-dependent group 2 enhancer GRCh37_chr2:206617009-206618208; plus strand). Cytogenetic location: 2q33.3.
Variant type: single nucleotide variant.
Coding change: c.1944C>T on transcript NM_003872.3 (MANE Select); coding-DNA position 1944, C replaced by T.
Protein change: p.Phe648=; no amino-acid change (phenylalanine 648 retained).
Molecular consequence: synonymous variant.
Genome position (GRCh38, 1-based): chr2:205,752,875, C>T. VCF-style: chr2-205752875-C-T. GRCh37 (hg19) VCF-style: chr2-206617599-C-T.
Other names: c.1944C>T, p.Phe648= (NM_018534.4, NM_201266.2, NM_201267.2 and 1 more transcripts).
Identifiers: ClinVar variation 3029432 (VCV003029432.2), dbSNP rs377534049, ClinGen allele CA2069272.